The following is an entry in ClinVar:

ClinVar aggregate classification (germline): Uncertain significance (1 of 4 stars; one submission).

Conditions:
Autoimmune lymphoproliferative syndrome type 2B. Also called: AUTOIMMUNE LYMPHOPROLIFERATIVE SYNDROME, TYPE IIB. Identifiers: Orphanet 275517, MedGen C1846545, MONDO:0011804, OMIM 607271.

gnomAD v4.1: 6 of 1,613,958 alleles (0.00037%); highest among the groups gnomAD compares: East Asian, 0.011%; no homozygotes.

Submission:

Labcorp Genetics (formerly Invitae), Labcorp
Classification: Uncertain significance for Autoimmune lymphoproliferative syndrome type 2B. Last evaluated: 2024-12-11. Review status: criteria provided, single submitter. Criteria: Invitae Variant Classification Sherloc (09022015). Collection method: clinical testing. Allele origin: germline.
Comment: This sequence change replaces proline, which is neutral and non-polar, with leucine, which is neutral and non-polar, at codon 269 of the CASP8 protein (p.Pro269Leu). This variant is present in population databases (no rsID available, gnomAD 0.006%). This variant has not been reported in the literature in individuals affected with CASP8-related conditions. An algorithm developed to predict the effect of missense changes on protein structure and function (PolyPhen-2) suggests that this variant¬†is likely to be tolerated. In summary, the available evidence is currently insufficient to determine the role of this variant in disease. Therefore, it has been classified as a Variant of Uncertain Significance.

NM_001372051.1(CASP8):c.755C>T (p.Pro252Leu)

Gene: CASP8 (caspase 8; plus strand). Cytogenetic location: 2q33.1.
Variant type: single nucleotide variant.
Coding change: c.755C>T on transcript NM_001372051.1 (MANE Select); coding-DNA position 755, C replaced by T.
Protein change: p.Pro252Leu; replaces proline 252 with leucine.
Molecular consequence: missense variant. On other transcripts: synonymous variant (1), non-coding transcript variant (21), intron variant (4).
Genome position (GRCh38, 1-based): chr2:201,276,921, C>T. VCF-style: chr2-201276921-C-T. GRCh37 (hg19) VCF-style: chr2-202141644-C-T.
Other names: c.710C>T, p.Pro237Leu (NM_001080124.2, NM_001400658.1, NM_001400659.1 and 5 more transcripts); c.932C>T, p.Pro311Leu (NM_001080125.2); c.806C>T, p.Pro269Leu (NM_001228.5); c.887C>T, p.Pro296Leu (NM_001400642.1); c.788C>T, p.Pro263Leu (NM_001400645.1); c.755C>T, p.Pro252Leu (NM_001400648.1, NM_001400651.1, NM_001400653.1 and 6 more transcripts); c.686C>T, p.Pro229Leu (NM_001400664.1); c.446C>T, p.Pro149Leu (NM_001400669.1); and 7 more; short protein forms P311L, P229L, P263L, P237L, P252L, P296L, P149L, P269L.
Identifiers: ClinVar variation 3673969 (VCV003673969.1).